The following is an entry in ClinVar:

ClinVar aggregate classification (germline): Uncertain significance (1 of 4 stars; one submission).

gnomAD v4.1: 2 of 1,603,838 alleles (0.00012%); highest among the groups gnomAD compares: Non-Finnish European, 0.00017%; no homozygotes.

Submission:

GeneDx
Classification: Uncertain significance. Last evaluated: 2019-10-18. Review status: criteria provided, single submitter. Criteria: GeneDx Variant Classification Process June 2021. Collection method: clinical testing. Allele origin: germline. Affected: yes.
Comment: Canonical splice site variant in a gene for which loss-of-function is not a known mechanism of disease; Not observed in large population cohorts (Lek et al., 2016); Has not been previously published as pathogenic or benign to our knowledge

NM_031220.4(PITPNM3):c.23-1G>C

Gene: PITPNM3 (PITPNM family member 3; minus strand). Cytogenetic location: 17p13.1.
Variant type: single nucleotide variant.
Coding change: c.23-1G>C on transcript NM_031220.4 (MANE Select); the canonical splice acceptor site of the intron before coding-DNA position 23, G replaced by C.
Molecular consequence: splice acceptor variant.
Genome position (GRCh38, 1-based): chr17:6,538,083, C>G on the plus strand (G>C on the coding strand, the complement: PITPNM3 is on the minus strand). VCF-style: chr17-6538083-C-G. GRCh37 (hg19) VCF-style: chr17-6441403-C-G.
Other names: c.23-1G>C (NM_001165966.2).
Identifiers: ClinVar variation 1308716 (VCV001308716.2), dbSNP rs2150665262, ClinGen allele CA397403058.